The following is an entry in ClinVar:

NM_000787.4(DBH):c.1152C>T (p.Phe384=)

Gene: DBH (dopamine beta-hydroxylase; plus strand). Cytogenetic location: 9q34.2.
Variant type: single nucleotide variant.
Coding change: c.1152C>T on transcript NM_000787.4 (MANE Select); coding-DNA position 1152, C replaced by T.
Protein change: p.Phe384=; no amino-acid change (phenylalanine 384 retained).
Molecular consequence: synonymous variant.
Genome position (GRCh38, 1-based): chr9:133,647,973, C>T. VCF-style: chr9-133647973-C-T. GRCh37 (hg19) VCF-style: chr9-136513095-C-T.
Other names: c.1152C>T (NM_000787.3).
Identifiers: ClinVar variation 1575002 (VCV001575002.9), dbSNP rs370844365, ClinGen allele CA5313331.
Genomic context (GRCh38, chr9:133,647,973, plus strand): 5'-CATGGAGCTGGGACTGGTGTACACGCCAGTGATGGCCATTCCACCACGGGAGACCGCCTT[C>T]ATCCTCACTGGCTACTGCACGGACAAGTGCACCCAGCTGGTGAGTGGGGCTGGGCCCGGC-3'
Protein context (NP_000778.3, residues 374-394): VMAIPPRETA[Phe384=]ILTGYCTDKC

ClinVar aggregate classification (germline): Likely benign. Review status: criteria provided, multiple submitters, no conflicts (2 of 4 stars). 2 submissions from 2 submitters: Likely benign (2). Last evaluated 2026-09-08.

Conditions:
Orthostatic hypotension 1 (ORTHYP1). Also called: Dopamine beta-hydroxylase deficiency; NORADRENALINE DEFICIENCY; NOREPINEPHRINE DEFICIENCY; Orthostatic hypotension 1, due to DBH deficiency. Identifiers: Orphanet 230, MedGen C4746777, MONDO:0009123, OMIM 223360.
DBH-related disorder. Also called: DBH-related condition.

Allele frequency attached by ClinVar (database versions not stated): gnomAD 0.00005 and 0.00006; gnomAD exomes 0.00005 and 0.00010; ExAC 0.00006; TOPMed 0.00006; ESP Exome Variant Server 0.00008.
gnomAD v4.1: 154 of 1,613,662 alleles (0.0095%); highest among the groups gnomAD compares: Non-Finnish European, 0.012%; no homozygotes.

Submissions (2):

PreventionGenetics, part of Exact Sciences
Classification: Likely benign for DBH-related condition. Last evaluated: 2026-09-08. Review status: criteria provided, single submitter. Criteria: ACMG Guidelines, 2015. Collection method: clinical testing. Allele origin: germline.
Comment: This variant is classified as likely benign based on ACMG/AMP sequence variant interpretation guidelines (Richards et al. 2015 PMID: 25741868, with internal and published modifications).

Labcorp Genetics (formerly Invitae), Labcorp
Classification: Likely benign for Orthostatic hypotension 1. Last evaluated: 2024-04-18. Review status: criteria provided, single submitter. Criteria: Invitae Variant Classification Sherloc (09022015). Collection method: clinical testing. Allele origin: germline.